The following is an entry in ClinVar:

NM_024513.4(FYCO1):c.*2851C>T

Gene: FYCO1 (FYVE and coiled-coil domain autophagy adaptor 1; minus strand). Cytogenetic location: 3p21.31.
Variant type: single nucleotide variant.
Coding change: c.*2851C>T on transcript NM_024513.4 (MANE Select); 2851 bases downstream of the stop codon, C replaced by T.
Molecular consequence: 3 prime UTR variant.
Genome position (GRCh38, 1-based): chr3:45,918,914, G>A on the plus strand (C>T on the coding strand, the complement: FYCO1 is on the minus strand). VCF-style: chr3-45918914-G-A. GRCh37 (hg19) VCF-style: chr3-45960406-G-A.
Identifiers: ClinVar variation 345448 (VCV000345448.5), dbSNP rs182350140, ClinGen allele CA10616609.

ClinVar aggregate classification (germline): Likely benign (1 of 4 stars; one submission).

Conditions:
Cataract 18 (CATC2). Also called: CATARACT 18, AUTOSOMAL RECESSIVE. Identifiers: Orphanet 91492, Orphanet 98991, Orphanet 98992, Orphanet 98995, MedGen C1864908, MONDO:0012395, OMIM 610019.

Allele frequency attached by ClinVar (database versions not stated): gnomAD 0.00158 and 0.00165; TOPMed 0.00181; 1000 Genomes Project 0.00200; 1000 Genomes Project 30x 0.00203.

Submission:

Illumina Laboratory Services, Illumina
Classification: Likely benign for Cataract 18. Last evaluated: 2018-01-13. Review status: criteria provided, single submitter. Criteria: ICSL Variant Classification Criteria 13 December 2019. Collection method: clinical testing. Allele origin: germline.
Comment: This variant was observed in the ICSL laboratory as part of a predisposition screen in an ostensibly healthy population. It had not been previously curated by ICSL or reported in the Human Gene Mutation Database (HGMD: prior to June 1st, 2018), and was therefore a candidate for classification through an automated scoring system. Utilizing variant allele frequency, disease prevalence and penetrance estimates, and inheritance mode, an automated score was calculated to assess if this variant is too frequent to cause the disease. Based on the score and internal cut-off values, a variant classified as likely benign is not then subjected to further curation. The score for this variant resulted in a classification of likely benign for this disease.